The following is an entry in ClinVar:

ClinVar aggregate classification (germline): Uncertain significance (1 of 4 stars; one submission).

gnomAD v4.1: 1 of 1,613,520 alleles (0.000062%); no homozygotes.

Submission:

GeneDx
Classification: Uncertain significance. Last evaluated: 2025-04-28. Review status: criteria provided, single submitter. Criteria: GeneDx Variant Classification Process June 2021. Collection method: clinical testing. Allele origin: germline. Affected: yes.
Comment: Not observed at significant frequency in large population cohorts (gnomAD); In silico analysis indicates that this missense variant does not alter protein structure/function; Has not been previously published as pathogenic or benign to our knowledge

NM_138773.4(SLC25A46):c.538A>G (p.Ile180Val)

Gene: SLC25A46 (solute carrier family 25 member 46; plus strand). Cytogenetic location: 5q22.1.
Variant type: single nucleotide variant.
Coding change: c.538A>G on transcript NM_138773.4 (MANE Select); coding-DNA position 538, A replaced by G.
Protein change: p.Ile180Val; replaces isoleucine 180 with valine.
Molecular consequence: missense variant. On other transcripts: non-coding transcript variant (1).
Genome position (GRCh38, 1-based): chr5:110,748,238, A>G. VCF-style: chr5-110748238-A-G. GRCh37 (hg19) VCF-style: chr5-110083939-A-G.
Other names: c.538A>G, p.Ile180Val (NM_001303249.3); c.265A>G, p.Ile89Val (NM_001303250.3); short protein forms I180V, I89V.
Identifiers: ClinVar variation 4527402 (VCV004527402.1).
Genomic context (GRCh38, chr5:110,748,238, plus strand): 5'-TGGAAAGGAATGGGAAGTACATTTATTGTCCAGGGAGTCACACTTGGAGCAGAAGGCATA[A>G]TTAGTGAATTTACACCTTTGCCAAGGTACCATTTTTAGCATTTCTTCAGTATTAGTTTCA-3'
Protein context (NP_620128.1, residues 170-190): QGVTLGAEGI[Ile180Val]SEFTPLPREV